The following is an entry in ClinVar:

ClinVar aggregate classification (germline): Uncertain significance (1 of 4 stars; one submission).

Conditions:
Cardiovascular phenotype. Identifiers: MedGen CN230736.

Allele frequency attached by ClinVar (database versions not stated): TOPMed below 0.00001; gnomAD 0.00001; ExAC 0.00013; 1000 Genomes Project 30x 0.00016.
gnomAD v4.1: 28 of 1,550,236 alleles (0.0018%); highest among the groups gnomAD compares: South Asian, 0.021%; no homozygotes.

Submission:

Ambry Genetics
Classification: Uncertain significance for Cardiovascular phenotype. Last evaluated: 2023-03-20. Review status: criteria provided, single submitter. Criteria: Ambry Variant Classification Scheme 2023. Collection method: clinical testing. Allele origin: germline.
Comment: The p.P811S variant (also known as c.2431C>T), located in coding exon 1 of the ZNF469 gene, results from a C to T substitution at nucleotide position 2431. The proline at codon 811 is replaced by serine, an amino acid with similar properties. This amino acid position is conserved. In addition, this alteration is predicted to be tolerated by in silico analysis. Since supporting evidence is limited at this time, the clinical significance of this alteration remains unclear.

NM_001367624.2(ZNF469):c.2431C>T (p.Pro811Ser)

Gene: ZNF469 (zinc finger protein 469; plus strand). Cytogenetic location: 16q24.2.
Variant type: single nucleotide variant.
Coding change: c.2431C>T on transcript NM_001367624.2 (MANE Select); coding-DNA position 2431, C replaced by T.
Protein change: p.Pro811Ser; replaces proline 811 with serine.
Molecular consequence: missense variant.
Genome position (GRCh38, 1-based): chr16:88,429,901, C>T. VCF-style: chr16-88429901-C-T. GRCh37 (hg19) VCF-style: chr16-88496309-C-T.
Other names: NM_001127464.1:c.2431C>T; short protein forms P811S.
Identifiers: ClinVar variation 2561855 (VCV002561855.2), dbSNP rs751453279, ClinGen allele CA8224768.